The following is an entry in ClinVar:

NM_002473.6(MYH9):c.3128G>T (p.Arg1043Leu)

Gene: MYH9 (myosin heavy chain 9; minus strand). Cytogenetic location: 22q12.3.
Variant type: single nucleotide variant.
Coding change: c.3128G>T on transcript NM_002473.6 (MANE Select); coding-DNA position 3128, G replaced by T.
Protein change: p.Arg1043Leu; replaces arginine 1043 with leucine.
Molecular consequence: missense variant.
Genome position (GRCh38, 1-based): chr22:36,296,987, C>A on the plus strand (G>T on the coding strand, the complement: MYH9 is on the minus strand). VCF-style: chr22-36296987-C-A. GRCh37 (hg19) VCF-style: chr22-36693033-C-A.
Other names: short protein forms R1043L.
Identifiers: ClinVar variation 2984732 (VCV002984732.3), dbSNP rs957892036, ClinGen allele CA323594745.

ClinVar aggregate classification (germline): Uncertain significance (1 of 4 stars; one submission).

Allele frequency attached by ClinVar (database versions not stated): TOPMed 0.00001.
gnomAD v4.1: 1 of 1,614,000 alleles (0.000062%); highest among the groups gnomAD compares: Non-Finnish European, 0.000085%; no homozygotes.

Submission:

Labcorp Genetics (formerly Invitae), Labcorp
Classification: Uncertain significance. Last evaluated: 2023-12-11. Review status: criteria provided, single submitter. Criteria: Invitae Variant Classification Sherloc (09022015). Collection method: clinical testing. Allele origin: germline.
Comment: This sequence change replaces arginine, which is basic and polar, with leucine, which is neutral and non-polar, at codon 1043 of the MYH9 protein (p.Arg1043Leu). This variant is not present in population databases (gnomAD no frequency). This variant has not been reported in the literature in individuals affected with MYH9-related conditions. Advanced modeling of protein sequence and biophysical properties (such as structural, functional, and spatial information, amino acid conservation, physicochemical variation, residue mobility, and thermodynamic stability) performed at Invitae indicates that this missense variant is not expected to disrupt MYH9 protein function with a negative predictive value of 95%. In summary, the available evidence is currently insufficient to determine the role of this variant in disease. Therefore, it has been classified as a Variant of Uncertain Significance.